The following is an entry in ClinVar:

ClinVar aggregate classification (germline): Conflicting classifications of pathogenicity. Review status: criteria provided, conflicting classifications (1 of 4 stars). 16 submissions from 12 submitters: Uncertain significance (3); Benign (5); Likely benign (7). 1 of the submissions does not count toward it. Last evaluated 2026-07-01.

Conditions:
TTN-related disorder. Also called: TTN-related disorders; TTN-related condition; TTN-related disease.
Cardiovascular phenotype. Identifiers: MedGen CN230736.
Autosomal recessive limb-girdle muscular dystrophy type 2J (LGMDR10). Also called: MUSCULAR DYSTROPHY, LIMB-GIRDLE, AUTOSOMAL RECESSIVE 10; Limb-girdle muscular dystrophy, type 2J. Identifiers: Orphanet 140922, MedGen C1837342, MONDO:0012127, OMIM 608807.
Dilated cardiomyopathy 1G (CMD1G). Identifiers: Orphanet 154, MedGen C1858763, MONDO:0011400, OMIM 604145.
Early-onset myopathy with fatal cardiomyopathy (CMYO5). Also called: CONGENITAL MYOPATHY 5 WITH CARDIOMYOPATHY; Salih Myopathy. Identifiers: Orphanet 289377, MedGen C2673677, MONDO:0012714, OMIM 611705. Disease mechanism: loss of function.
Myopathy, myofibrillar, 9, with early respiratory failure (MFM9). Also called: Myopathy, distal, with early respiratory failure, autosomal dominant; Hereditary myopathy with early respiratory failure; EDSTROM MYOPATHY; MYOPATHY, PROXIMAL, WITH EARLY RESPIRATORY MUSCLE INVOLVEMENT. Identifiers: Orphanet 178464, Orphanet 34521, MedGen C1863599, MONDO:0011362, OMIM 603689.
Tibial muscular dystrophy (TMD). Also called: Tibial muscular dystrophy, tardive; Udd Distal Myopathy – Tibial Muscular Dystrophy; UDD MYOPATHY. Identifiers: Orphanet 609, MedGen C1838244, MONDO:0010870, OMIM 600334.

Allele frequency attached by ClinVar (database versions not stated): ExAC 0.00048; TOPMed 0.00154; gnomAD 0.00145 and 0.00163; 1000 Genomes Project 30x 0.00062; ESP Exome Variant Server 0.00186; 1000 Genomes Project 0.00080.
gnomAD v4.1: 428 of 1,612,028 alleles (0.027%); highest among the groups gnomAD compares: African/African-American, 0.51%; 1 homozygote.

Submissions (16):

CeGaT Center for Human Genetics Tuebingen
Classification: Likely benign. Last evaluated: 2026-07-01. Review status: criteria provided, single submitter. Criteria: CeGaT Center For Human Genetics Tuebingen Variant Classification Criteria Version 2. Collection method: clinical testing. Allele origin: germline. Affected: yes. Observed: 3 variant alleles.
Comment: TTN: BP4, BS1

Labcorp Genetics (formerly Invitae), Labcorp
Classification: Benign for Dilated cardiomyopathy 1G; Autosomal recessive limb-girdle muscular dystrophy type 2J. Last evaluated: 2026-02-03. Review status: criteria provided, single submitter. Criteria: Invitae Variant Classification Sherloc (09022015). Collection method: clinical testing. Allele origin: germline.

Molecular Diagnostic Laboratory for Inherited Cardiovascular Disease, Montreal Heart Institute
Classification: Benign. Last evaluated: 2025-04-09. Review status: criteria provided, single submitter. Criteria: ACMG Guidelines, 2015. Collection method: clinical testing. Allele origin: germline. Affected: no.

Mayo Clinic Laboratories, Mayo Clinic
Classification: Likely benign. Last evaluated: 2024-07-25. Review status: criteria provided, single submitter. Criteria: ACMG Guidelines, 2015. Collection method: clinical testing. Allele origin: germline. Observed: 4 variant alleles.
Comment: BS1, BP1, BP4

Blueprint Genetics
Classification: Likely benign. Last evaluated: 2024-02-23. Review status: criteria provided, single submitter. Criteria: ACMG Guidelines, 2015. Collection method: clinical testing. Allele origin: germline.

GeneDx
Classification: Likely benign. Last evaluated: 2020-09-28. Review status: criteria provided, single submitter. Criteria: GeneDx Variant Classification Process June 2021. Collection method: clinical testing. Allele origin: germline. Affected: yes.
Comment: This variant is associated with the following publications: (PMID: 24503780)

Women's Health and Genetics/Laboratory Corporation of America, LabCorp
Classification: Benign. Last evaluated: 2020-08-10. Review status: criteria provided, single submitter. Criteria: LabCorp Variant Classification Summary - May 2015. Collection method: clinical testing. Allele origin: germline.
Comment: Variant summary: TTN c.39176C>T (p.Ala13059Val) results in a non-conservative amino acid change in the encoded protein sequence. Two of four in-silico tools predict a benign effect of the variant on protein function. The variant allele was found at a frequency of 0.00044 in 247774 control chromosomes, predominantly at a frequency of 0.006 within the African or African-American subpopulation in the gnomAD database. The observed variant frequency within African or African-American control individuals in the gnomAD database is approximately 15 fold of the estimated maximal expected allele frequency for a pathogenic variant in TTN causing Dilated Cardiomyopathy phenotype (0.00039), strongly suggesting that the variant is a benign polymorphism found primarily in populations of African or African-American origin. To our knowledge, no occurrence of c.39176C>T in individuals affected with Dilated Cardiomyopathy and no experimental evidence demonstrating its impact on protein function have been reported. Seven clinical diagnostic laboratories have submitted clinical-significance assessments for this variant to ClinVar after 2014 without evidence for independent evaluation. Based on the evidence outlined above, the variant was classified as benign.

Ambry Genetics
Classification: Likely benign for Cardiovascular phenotype. Last evaluated: 2018-10-17. Review status: criteria provided, single submitter. Criteria: Ambry Variant Classification Scheme 2023. Collection method: clinical testing. Allele origin: germline.

Illumina Laboratory Services, Illumina
Classification: Benign for Tibial muscular dystrophy. Last evaluated: 2018-01-12. Review status: criteria provided, single submitter. Criteria: ICSL Variant Classification Criteria 13 December 2019. Collection method: clinical testing. Allele origin: germline.
Comment: This variant was observed in the ICSL laboratory as part of a predisposition screen in an ostensibly healthy population. It had not been previously curated by ICSL or reported in the Human Gene Mutation Database (HGMD: prior to June 1st, 2018), and was therefore a candidate for classification through an automated scoring system. Utilizing variant allele frequency, disease prevalence and penetrance estimates, and inheritance mode, an automated score was calculated to assess if this variant is too frequent to cause the disease. Based on the score and internal cut-off values, a variant classified as benign is not then subjected to further curation. The score for this variant resulted in a classification of benign for this disease.

Illumina Laboratory Services, Illumina
Classification: Uncertain significance for Dilated cardiomyopathy 1G. Last evaluated: 2018-01-12. Review status: criteria provided, single submitter. Criteria: ICSL Variant Classification Criteria 13 December 2019. Collection method: clinical testing. Allele origin: germline.

Illumina Laboratory Services, Illumina
Classification: Uncertain significance for Autosomal recessive limb-girdle muscular dystrophy type 2J. Last evaluated: 2018-01-12. Review status: criteria provided, single submitter. Criteria: ICSL Variant Classification Criteria 13 December 2019. Collection method: clinical testing. Allele origin: germline.

Illumina Laboratory Services, Illumina
Classification: Uncertain significance for Early-onset myopathy with fatal cardiomyopathy. Last evaluated: 2018-01-12. Review status: criteria provided, single submitter. Criteria: ICSL Variant Classification Criteria 13 December 2019. Collection method: clinical testing. Allele origin: germline.

Illumina Laboratory Services, Illumina
Classification: Benign for Myopathy, myofibrillar, 9, with early respiratory failure. Last evaluated: 2018-01-12. Review status: criteria provided, single submitter. Criteria: ICSL Variant Classification Criteria 13 December 2019. Collection method: clinical testing. Allele origin: germline.
Comment: the same text as in the submission from Illumina Laboratory Services, Illumina above.

Eurofins Ntd Llc (ga)
Classification: Likely benign. Last evaluated: 2016-08-19. Review status: criteria provided, single submitter. Criteria: EGL Classification Definitions 2015. Collection method: clinical testing. Allele origin: germline. Observed: 4 variant alleles, 4 heterozygotes.

Laboratory for Molecular Medicine, Mass General Brigham Personalized Medicine
Classification: Likely benign. Last evaluated: 2016-06-10. Review status: criteria provided, single submitter. Criteria: LMM Criteria. Collection method: clinical testing. Allele origin: germline. Observed: 3 variant alleles.
Comment: p.Ala13059Val in exon 200 of TTN: This variant is not expected to have clinical significance because it has been identified in 0.5% (53/9790) of African chromos omes by the Exome Aggregation Consortium (ExAC; dbSNP rs115813214).

PreventionGenetics, part of Exact Sciences
Classification: Likely benign for TTN-related condition. Last evaluated: 2020-05-26. Review status: no assertion criteria provided. Collection method: clinical testing. Allele origin: germline. Not counted in ClinVar's aggregate classification.
Comment: This variant is classified as likely benign based on ACMG/AMP sequence variant interpretation guidelines (Richards et al. 2015 PMID: 25741868, with internal and published modifications).

NM_001267550.2(TTN):c.46880C>T (p.Ala15627Val)

Genes: TTN-AS1 (TTN antisense RNA 1; plus strand), TTN (titin; minus strand). Cytogenetic location: 2q31.2.
Variant type: single nucleotide variant.
Coding change: c.46880C>T on transcript NM_001267550.2 (MANE Select); coding-DNA position 46880, C replaced by T.
Protein change: p.Ala15627Val; replaces alanine 15627 with valine.
Molecular consequence: missense variant.
Genome position (GRCh38, 1-based): chr2:178,618,670, G>A on the plus strand (C>T on the coding strand, the complement: TTN is on the minus strand). VCF-style: chr2-178618670-G-A. GRCh37 (hg19) VCF-style: chr2-179483397-G-A.
Other names: p.Ala13986Val; c.41957C>T, p.Ala13986Val (NM_001256850.1); c.19685C>T, p.Ala6562Val (NM_003319.4); c.39176C>T, p.Ala13059Val (NM_133378.4); c.20060C>T, p.Ala6687Val (NM_133432.3); c.20261C>T, p.Ala6754Val (NM_133437.4); short protein forms A15627V, A13059V, A13986V, A6562V, A6754V, A6687V.
Identifiers: ClinVar variation 47006 (VCV000047006.57), dbSNP rs115813214, ClinGen allele CA139743.
Genomic context (GRCh38, chr2:178,618,670, plus strand): 5'-TCTGCTTTTCCATGTTTGTTCTGAAGCACAATTTTATACCTCCCTTTGTCTCCTTTCTTG[G>A]CTTCTAAAATTCTGAAAGAAGTTTGTTCAGCCGTAGTATCAATGGTTTTTGTAGATAAAG-3'
Protein context (NP_001254479.2, residues 15617-15637): AEQTSFRILE[Ala15627Val]KKGDKGRYKI